The following is an entry in ClinVar:

NM_024426.6(WT1):c.1024A>G (p.Thr342Ala)

Gene: WT1 (WT1 transcription factor; minus strand). Cytogenetic location: 11p13.
Variant type: single nucleotide variant.
Coding change: c.1024A>G on transcript NM_024426.6 (MANE Select); coding-DNA position 1024, A replaced by G.
Protein change: p.Thr342Ala; replaces threonine 342 with alanine.
Molecular consequence: missense variant. On other transcripts: 5 prime UTR variant (1), non-coding transcript variant (2).
Genome position (GRCh38, 1-based): chr11:32,400,037, T>C on the plus strand (A>G on the coding strand, the complement: WT1 is on the minus strand). VCF-style: chr11-32400037-T-C. GRCh37 (hg19) VCF-style: chr11-32421583-T-C.
Other names: c.973A>G, p.Thr325Ala (NM_000378.6, NM_001407045.1, NM_001407048.1 and 1 more transcripts); c.373A>G, p.Thr125Ala (NM_001198551.2); c.322A>G, p.Thr108Ala (NM_001198552.2); c.-165A>G (NM_001367854.1); c.1018A>G, p.Thr340Ala (NM_001407044.1); c.1024A>G, p.Thr342Ala (NM_001407046.1, NM_024424.5); c.901A>G, p.Thr301Ala (NM_001407047.1); c.850A>G, p.Thr284Ala (NM_001407050.1); and 3 more; short protein forms T108A, T252A, T325A, T342A, T337A, T340A, T125A, T88A.
Identifiers: ClinVar variation 5032038 (VCV005032038.1).
Genomic context (GRCh38, chr11:32,400,037, plus strand): 5'-GTATTCTGTATTGGGCTCCGCAGAGGATGGGCGTTGTGTGGTTATCGCTCTCGTACCCTG[T>C]GCTGTGGCTGCAAACACAAAGAAGGGAAAAAGGCTCAGTGTGGCTCACAGTCGCCATTTG-3'
Protein context (NP_077744.4, residues 332-352): KWTEGQSNHS[Thr342Ala]GYESDNHTTP

ClinVar aggregate classification (germline): Uncertain significance (1 of 4 stars; one submission).

Conditions:
Inborn genetic diseases. Identifiers: MedGen C0950123, MeSH D030342.

Submission:

Ambry Genetics
Classification: Uncertain significance for Inborn genetic diseases. Last evaluated: 2026-07-07. Review status: criteria provided, single submitter. Criteria: Ambry Variant Classification Scheme 2023. Collection method: clinical testing. Allele origin: germline.
Comment: The p.T337A variant (also known as c.1009A>G), located in coding exon 6 of the WT1 gene, results from an A to G substitution at nucleotide position 1009. The threonine at codon 337 is replaced by alanine, an amino acid with similar properties. This amino acid position is conserved. In addition, this alteration is predicted to be tolerated by in silico analysis. Based on the available evidence, the clinical significance of this variant remains unclear.